The following is an entry in ClinVar:

NM_004304.5(ALK):c.2357C>G (p.Thr786Arg)

Gene: ALK (ALK receptor tyrosine kinase; minus strand). Cytogenetic location: 2p23.2.
Variant type: single nucleotide variant.
Coding change: c.2357C>G on transcript NM_004304.5 (MANE Select); coding-DNA position 2357, C replaced by G.
Protein change: p.Thr786Arg; replaces threonine 786 with arginine.
Molecular consequence: missense variant.
Genome position (GRCh38, 1-based): chr2:29,233,695, G>C on the plus strand (C>G on the coding strand, the complement: ALK is on the minus strand). VCF-style: chr2-29233695-G-C. GRCh37 (hg19) VCF-style: chr2-29456561-G-C.
Other names: short protein forms T786R.
Identifiers: ClinVar variation 3524513 (VCV003524513.1).
Genomic context (GRCh38, chr2:29,233,695, plus strand): 5'-CGGATTTCTTCTTCTATCACATTGTTCTCTCCAATGCAGACTTTCTGGATTAACTGGTTT[G>C]TCTGTAGAAACAAAAAGCACGTTAGGTTTGTGGCCAAACCAGAGTTCTCCACTTTGCAGC-3'
Protein context (NP_004295.2, residues 776-796): GQQGEDACPS[Thr786Arg]NQLIQKVCIG

ClinVar aggregate classification (germline): Uncertain significance (1 of 4 stars; one submission).

Conditions:
Hereditary cancer-predisposing syndrome. Also called: Hereditary Cancer Syndrome; Hereditary neoplastic syndrome; Tumor predisposition; Neoplastic Syndromes, Hereditary. Identifiers: Orphanet 140162, MedGen C0027672, MeSH D009386, MONDO:0015356.

Submission:

Ambry Genetics
Classification: Uncertain significance for Hereditary cancer-predisposing syndrome. Last evaluated: 2024-08-31. Review status: criteria provided, single submitter. Criteria: Ambry Variant Classification Scheme 2023. Collection method: clinical testing. Allele origin: germline.
Comment: The p.T786R variant (also known as c.2357C>G), located in coding exon 14 of the ALK gene, results from a C to G substitution at nucleotide position 2357. The threonine at codon 786 is replaced by arginine, an amino acid with similar properties. This amino acid position is conserved. In addition, this alteration is predicted to be tolerated by in silico analysis. Based on the available evidence, the clinical significance of this variant remains unclear.